The following is an entry in ClinVar:

ClinVar aggregate classification (germline): Conflicting classifications of pathogenicity. Review status: criteria provided, conflicting classifications (1 of 4 stars). 4 submissions from 4 submitters: Uncertain significance (1); Likely benign (2). 1 of the submissions does not count toward it. Last evaluated 2026-01-20.

Conditions:
Congenital nephrotic syndrome. Also called: Familial nephrotic syndrome. Identifiers: MedGen C3501848, MeSH C535761, MONDO:0002350, HP:0008677.
Finnish congenital nephrotic syndrome (NPHS1). Also called: NEPHROTIC SYNDROME, TYPE 1. Identifiers: Orphanet 839, MedGen C0403399, MONDO:0009732, OMIM 256300.

Allele frequency attached by ClinVar (database versions not stated): ExAC 0.00011; ESP Exome Variant Server 0.00015; gnomAD 0.00022; TOPMed 0.00022.
gnomAD v4.1: 457 of 1,613,880 alleles (0.028%); highest among the groups gnomAD compares: Non-Finnish European, 0.038%; no homozygotes.

Submissions (4):

Labcorp Genetics (formerly Invitae), Labcorp
Classification: Likely benign. Last evaluated: 2026-01-20. Review status: criteria provided, single submitter. Criteria: Invitae Variant Classification Sherloc (09022015). Collection method: clinical testing. Allele origin: germline.

CeGaT Center for Human Genetics Tuebingen
Classification: Likely benign. Last evaluated: 2022-05-01. Review status: criteria provided, single submitter. Criteria: CeGaT Center For Human Genetics Tuebingen Variant Classification Criteria Version 2. Collection method: clinical testing. Allele origin: germline. Affected: yes. Observed: 1 variant allele.
Comment: NPHS1: BP4, BP7

Illumina Laboratory Services, Illumina
Classification: Uncertain significance for Congenital nephrotic syndrome. Last evaluated: 2018-01-12. Review status: criteria provided, single submitter. Criteria: ICSL Variant Classification Criteria 13 December 2019. Collection method: clinical testing. Allele origin: germline.

Natera, Inc.
Classification: Likely benign for Finnish congenital nephrotic syndrome. Last evaluated: 2020-06-16. Review status: no assertion criteria provided. Collection method: clinical testing. Allele origin: germline. Not counted in ClinVar's aggregate classification.

NM_004646.4(NPHS1):c.126G>T (p.Thr42=)

Genes: KIRREL2 (kirre like nephrin family adhesion molecule 2; plus strand), NPHS1 (NPHS1 adhesion molecule, nephrin; minus strand). Cytogenetic location: 19q13.12.
Variant type: single nucleotide variant.
Coding change: c.126G>T on transcript NM_004646.4 (MANE Select); coding-DNA position 126, G replaced by T.
Protein change: p.Thr42=; no amino-acid change (threonine 42 retained).
Molecular consequence: synonymous variant.
Genome position (GRCh38, 1-based): chr19:35,851,605, C>A on the plus strand (G>T on the coding strand, the complement: NPHS1 is on the minus strand). VCF-style: chr19-35851605-C-A. GRCh37 (hg19) VCF-style: chr19-36342507-C-A.
Identifiers: ClinVar variation 737074 (VCV000737074.46), dbSNP rs145683325, ClinGen allele CA9390908.